The following is an entry in ClinVar:

NM_001164508.2(NEB):c.9983del (p.Lys3328fs)

Gene: NEB (nebulin; minus strand). Cytogenetic location: 2q23.3.
Variant type: Deletion.
Coding change: c.9983del on transcript NM_001164508.2 (MANE Select); coding-DNA position 9983, one base deleted (A; older notation c.9983delA).
Protein change: p.Lys3328fs; shifts the reading frame from lysine 3328.
Molecular consequence: frameshift variant.
Genome position (GRCh38, 1-based): chr2:151,627,683, T deleted on the plus strand (A on the coding strand, the reverse complement: NEB is on the minus strand); the first of 2 consecutive T bases (chr2:151,627,683-151,627,684); deleting either gives the same sequence. VCF-style (leftmost placement, unchanged base first): chr2-151627682-CT-C. GRCh37 (hg19) VCF-style: chr2-152484196-CT-C.
Other names: c.9983del, p.Lys3328fs (NM_001164507.2, NM_001271208.2); c.9254del, p.Lys3085fs (NM_004543.5); short protein forms K3085fs, K3328fs.
Identifiers: ClinVar variation 5013485 (VCV005013485.1).

ClinVar aggregate classification (germline): Pathogenic (1 of 4 stars; one submission).

Conditions:
Nemaline myopathy 2 (NEM2). Also called: Nemaline myopathy 2, autosomal recessive. Identifiers: MedGen C1850569, MONDO:0009725, OMIM 256030.

Submission:

Myriad Genetics, Inc.
Classification: Pathogenic for Nemaline myopathy 2. Last evaluated: 2024-08-23. Review status: criteria provided, single submitter. Criteria: Myriad Autosomal Dominant, Autosomal Recessive and X-Linked Classification Criteria (2023). Collection method: clinical testing. Allele origin: unknown.
Comment: NM_001271208.1(NEB):c.9983delA(K3328Sfs*13) is expected to be pathogenic in the context of NEB-related nemaline myopathy. This variant is predicted to lead to an abnormal or absent protein product due to the creation of a premature termination codon in NEB, a gene where loss-of-function variants are known to be pathogenic. Please note: this variant was assessed in the context of healthy population screening.